The following is an entry in ClinVar:

NM_001286577.2(C2CD3):c.2074G>T (p.Gly692Cys)

Gene: C2CD3 (C2 domain containing 3 centriole elongation regulator; minus strand). Cytogenetic location: 11q13.4.
Variant type: single nucleotide variant.
Coding change: c.2074G>T on transcript NM_001286577.2 (MANE Select); coding-DNA position 2074, G replaced by T.
Protein change: p.Gly692Cys; replaces glycine 692 with cysteine.
Molecular consequence: missense variant.
Genome position (GRCh38, 1-based): chr11:74,106,382, C>A on the plus strand (G>T on the coding strand, the complement: C2CD3 is on the minus strand). VCF-style: chr11-74106382-C-A. GRCh37 (hg19) VCF-style: chr11-73817427-C-A.
Other names: c.2074G>T, p.Gly692Cys (NM_015531.6); short protein forms G692C.
Identifiers: ClinVar variation 1924231 (VCV001924231.5), dbSNP rs1388599958, ClinGen allele CA381834439.

ClinVar aggregate classification (germline): Uncertain significance (1 of 4 stars; one submission).

Allele frequency attached by ClinVar (database versions not stated): gnomAD exomes 0.00001.
gnomAD v4.1: 3 of 1,613,998 alleles (0.00019%); highest among the groups gnomAD compares: East Asian, 0.0067%; 1 homozygote.

Submission:

Labcorp Genetics (formerly Invitae), Labcorp
Classification: Uncertain significance. Last evaluated: 2022-09-12. Review status: criteria provided, single submitter. Criteria: Invitae Variant Classification Sherloc (09022015). Collection method: clinical testing. Allele origin: germline.
Comment: In summary, the available evidence is currently insufficient to determine the role of this variant in disease. Therefore, it has been classified as a Variant of Uncertain Significance. Algorithms developed to predict the effect of sequence changes on RNA splicing suggest that this variant may create or strengthen a splice site. Advanced modeling of protein sequence and biophysical properties (such as structural, functional, and spatial information, amino acid conservation, physicochemical variation, residue mobility, and thermodynamic stability) performed at Invitae indicates that this missense variant is expected to disrupt C2CD3 protein function. This variant has not been reported in the literature in individuals affected with C2CD3-related conditions. This variant is present in population databases (no rsID available, gnomAD 0.01%). This sequence change replaces glycine, which is neutral and non-polar, with cysteine, which is neutral and slightly polar, at codon 692 of the C2CD3 protein (p.Gly692Cys).